The following is an entry in ClinVar:

ClinVar aggregate classification (germline): Likely pathogenic (1 of 4 stars; one submission).

Conditions:
GREB1L-related disorder. Also called: GREB1L-related condition.

Submission:

PreventionGenetics, part of Exact Sciences
Classification: Likely pathogenic for GREB1L-related condition. Last evaluated: 2023-04-21. Review status: criteria provided, single submitter. Criteria: ACMG Guidelines, 2015. Collection method: clinical testing. Allele origin: germline.
Comment: The GREB1L c.3814delC variant is predicted to result in premature protein termination (p.Leu1272*). To our knowledge, this variant has not been reported in the literature or in a large population database, indicating this variant is rare. This variant is interpreted as likely pathogenic.

NM_001142966.3(GREB1L):c.3814del (p.Leu1271_Leu1272insTer)

Gene: GREB1L (GREB1 like retinoic acid receptor coactivator; plus strand). Cytogenetic location: 18q11.2.
Variant type: Deletion.
Coding change: c.3814del on transcript NM_001142966.3 (MANE Select); coding-DNA position 3814, one base deleted (C; older notation c.3814delC).
Protein change: p.Leu1271_Leu1272insTer.
Molecular consequence: nonsense.
Genome position (GRCh38, 1-based): chr18:21,500,151, C deleted; the last of 2 consecutive C bases (chr18:21,500,150-21,500,151); deleting either gives the same sequence. VCF-style (leftmost placement, unchanged base first): chr18-21500149-TC-T. GRCh37 (hg19) VCF-style: chr18-19080110-TC-T.
Other names: c.3943del, p.Leu1314_Leu1315insTer (NM_001410867.1); c.3487del, p.Leu1162_Leu1163insTer (NM_001410868.1).
Identifiers: ClinVar variation 2633320 (VCV002633320.1), dbSNP rs2511868254, ClinGen allele CA2695200385.